The following is an entry in ClinVar:

ClinVar aggregate classification (germline): Pathogenic/Likely pathogenic. Review status: criteria provided, multiple submitters, no conflicts (2 of 4 stars). 3 submissions from 3 submitters: Pathogenic (1); Likely pathogenic (2). Last evaluated 2025-01-09.

Conditions:
Fetal akinesia deformation sequence 2. Identifiers: MedGen C4760576, MONDO:0100102, OMIM 618388.
Congenital myasthenic syndrome 11. Also called: MYASTHENIC SYNDROME, CONGENITAL, Ie; Myasthenic syndrome, congenital, 11, associated with acetylcholine receptor deficiency. Identifiers: Orphanet 590, MedGen C4225367, MONDO:0014588, OMIM 616326.
Fetal akinesia deformation sequence 1 (FADS1). Also called: Pena-Shokeir syndrome type I; Fetal akinesia sequence. Identifiers: Orphanet 994, MedGen C1276035, MONDO:0100101, OMIM 208150, HP:0001989.

Submissions (3):

Revvity Omics, Revvity
Classification: Likely pathogenic. Last evaluated: 2025-01-09. Review status: criteria provided, single submitter. Criteria: ACMG Guidelines, 2015. Collection method: clinical testing. Allele origin: germline.

Fulgent Genetics
Classification: Likely pathogenic for Congenital myasthenic syndrome 11; Fetal akinesia deformation sequence 2. Last evaluated: 2024-05-01. Review status: criteria provided, single submitter. Criteria: ACMG Guidelines, 2015. Collection method: clinical testing. Allele origin: germline.

Labcorp Genetics (formerly Invitae), Labcorp
Classification: Pathogenic for Congenital myasthenic syndrome 11; Fetal akinesia deformation sequence 1. Last evaluated: 2022-01-13. Review status: criteria provided, single submitter. Criteria: Invitae Variant Classification Sherloc (09022015). Collection method: clinical testing. Allele origin: germline.
Comment: This sequence change creates a premature translational stop signal (p.Glu227*) in the RAPSN gene. It is expected to result in an absent or disrupted protein product. Loss-of-function variants in RAPSN are known to be pathogenic (PMID: 17686188). This variant is not present in population databases (gnomAD no frequency). This variant has not been reported in the literature in individuals affected with RAPSN-related conditions. ClinVar contains an entry for this variant (Variation ID: 1324987). For these reasons, this variant has been classified as Pathogenic.

Literature cited by the submitters: PubMed 17686188 (cited by Labcorp Genetics (formerly Invitae), Labcorp).

NM_005055.5(RAPSN):c.679G>T (p.Glu227Ter)

Gene: RAPSN (receptor associated protein of the synapse; minus strand). Cytogenetic location: 11p11.2.
Variant type: single nucleotide variant.
Coding change: c.679G>T on transcript NM_005055.5 (MANE Select); coding-DNA position 679, G replaced by T.
Protein change: p.Glu227Ter; replaces glutamic acid 227 with a stop codon.
Molecular consequence: nonsense.
Genome position (GRCh38, 1-based): chr11:47,442,667, C>A on the plus strand (G>T on the coding strand, the complement: RAPSN is on the minus strand). VCF-style: chr11-47442667-C-A. GRCh37 (hg19) VCF-style: chr11-47464219-C-A.
Other names: c.679G>T, p.Glu227Ter (NM_032645.5); short protein forms E227*.
Identifiers: ClinVar variation 1324987 (VCV001324987.10), dbSNP rs2153309050, ClinGen allele CA380331566.
Genomic context (GRCh38, chr11:47,442,667, plus strand): 5'-TGGCCCACACCACCTCATCCCCGACCTGCCCCCTTCCCCGCTGCCCCACCTCACAACACT[C>A]CATGGCACTGCCCAGGCGGCCCAGCAGGCGATAGGCCACGGCCATGTGGTACTGGCTCAT-3'